The following is an entry in ClinVar:

ClinVar aggregate classification (germline): Uncertain significance (1 of 4 stars; one submission).

Submission:

GeneDx
Classification: Uncertain significance. Last evaluated: 2024-06-06. Review status: criteria provided, single submitter. Criteria: GeneDx Variant Classification Process June 2021. Collection method: clinical testing. Allele origin: germline. Affected: yes.
Comment: Not observed at significant frequency in large population cohorts (gnomAD); In silico analysis indicates that this variant does not alter protein structure/function; Has not been previously published as pathogenic or benign to our knowledge

NM_001378454.1(ALMS1):c.9320_9323delinsAAGG (p.Val3107_Ala3108delinsGluGly)

Gene: ALMS1 (ALMS1 centrosome and basal body associated protein; plus strand). Cytogenetic location: 2p13.1.
Variant type: Indel.
Coding change: c.9320_9323delinsAAGG on transcript NM_001378454.1 (MANE Select); coding-DNA positions 9320 to 9323, TAGC replaced by AAGG.
Protein change: p.Val3107_Ala3108delinsGluGly.
Molecular consequence: missense variant.
Genome position (GRCh38, 1-based): chr2:73,491,279-73,491,282, TAGC replaced by AAGG. VCF-style: chr2-73491279-TAGC-AAGG. GRCh37 (hg19) VCF-style: chr2-73718406-TAGC-AAGG.
Other names: c.9323_9326delinsAAGG, p.Val3108_Ala3109delinsGluGly (NM_015120.4).
Identifiers: ClinVar variation 3384636 (VCV003384636.1).